The following is an entry in ClinVar:

ClinVar aggregate classification (germline): Uncertain significance. Review status: criteria provided, multiple submitters, no conflicts (2 of 4 stars). 3 submissions from 3 submitters: Uncertain significance (2). 1 of the submissions does not count toward it. Last evaluated 2025-10-26.

Conditions:
Becker muscular dystrophy (BMD). Also called: MUSCULAR DYSTROPHY, PSEUDOHYPERTROPHIC PROGRESSIVE, BECKER TYPE; Becker Muscular Dystrophy (BMD). Identifiers: Orphanet 98895, MedGen C0917713, MONDO:0010311, OMIM 300376.
Cardiomyopathy (CMYO). Also called: Cardiomyopathies. Identifiers: Orphanet 167848, MedGen C0878544, MONDO:0004994, HP:0001638. Inheritance: Various modes of inheritance.
Duchenne muscular dystrophy (DMD). Also called: MUSCULAR DYSTROPHY, PSEUDOHYPERTROPHIC PROGRESSIVE, DUCHENNE TYPE; Duchenne Muscular Dystrophy (DMD). Identifiers: Orphanet 98896, MedGen C0013264, MONDO:0010679, OMIM 310200.
Dystrophin deficiency.

Allele frequency attached by ClinVar (database versions not stated): TOPMed 0.00001.
gnomAD v4.1: 4 of 1,210,958 alleles (0.00033%); highest among the groups gnomAD compares: Non-Finnish European, 0.00045%; no homozygotes.

Submissions (3):

Labcorp Genetics (formerly Invitae), Labcorp
Classification: Uncertain significance for Duchenne muscular dystrophy. Last evaluated: 2025-10-26. Review status: criteria provided, single submitter. Criteria: Invitae Variant Classification Sherloc (09022015). Collection method: clinical testing. Allele origin: germline.
Comment: This sequence change replaces threonine, which is neutral and polar, with proline, which is neutral and non-polar, at codon 715 of the DMD protein (p.Thr715Pro). This variant is not present in population databases (gnomAD no frequency). This variant has not been reported in the literature in individuals affected with DMD-related conditions. ClinVar contains an entry for this variant (Variation ID: 455877). Invitae Evidence Modeling of protein sequence and biophysical properties (such as structural, functional, and spatial information, amino acid conservation, physicochemical variation, residue mobility, and thermodynamic stability) indicates that this missense variant is not expected to disrupt DMD protein function with a negative predictive value of 95%. In summary, the available evidence is currently insufficient to determine the role of this variant in disease. Therefore, it has been classified as a Variant of Uncertain Significance.

Eurofins Ntd Llc (ga)
Classification: Uncertain significance. Last evaluated: 2017-12-22. Review status: criteria provided, single submitter. Criteria: EGL Classification Definitions 2015. Collection method: clinical testing. Allele origin: germline. Observed: 1 variant allele, 1 heterozygote.

Natera, Inc.
Classification: Uncertain significance for Becker muscular dystrophy; Cardiomyopathy; Duchenne muscular dystrophy; Dystrophin deficiency. Last evaluated: 2018-06-06. Review status: no assertion criteria provided. Collection method: clinical testing. Allele origin: germline. Not counted in ClinVar's aggregate classification.

NM_004006.3(DMD):c.2143A>C (p.Thr715Pro)

Gene: DMD (dystrophin; minus strand). Cytogenetic location: Xp21.1.
Variant type: single nucleotide variant.
Coding change: c.2143A>C on transcript NM_004006.3 (MANE Select); coding-DNA position 2143, A replaced by C.
Protein change: p.Thr715Pro; replaces threonine 715 with proline.
Molecular consequence: missense variant.
Genome position (GRCh38, 1-based): chrX:32,545,184, T>G on the plus strand (A>C on the coding strand, the complement: DMD is on the minus strand). VCF-style: chrX-32545184-T-G. GRCh37 (hg19) VCF-style: chrX-32563301-T-G.
Other names: c.2119A>C, p.Thr707Pro (NM_000109.4); c.2131A>C, p.Thr711Pro (NM_004009.3); c.1774A>C, p.Thr592Pro (NM_004010.3); short protein forms T715P, T592P, T707P, T711P.
Identifiers: ClinVar variation 455877 (VCV000455877.26), dbSNP rs16998350, ClinGen allele CA412667625.